The following is an entry in ClinVar:

NM_014112.5(TRPS1):c.1856C>T (p.Ala619Val)

Gene: TRPS1 (transcriptional repressor GATA binding 1; minus strand). Cytogenetic location: 8q23.3.
Variant type: single nucleotide variant.
Coding change: c.1856C>T on transcript NM_014112.5 (MANE Select); coding-DNA position 1856, C replaced by T.
Protein change: p.Ala619Val; replaces alanine 619 with valine.
Molecular consequence: missense variant.
Genome position (GRCh38, 1-based): chr8:115,604,113, G>A on the plus strand (C>T on the coding strand, the complement: TRPS1 is on the minus strand). VCF-style: chr8-115604113-G-A. GRCh37 (hg19) VCF-style: chr8-116616340-G-A.
Other names: c.1829C>T, p.Ala610Val (NM_001282902.3); c.1835C>T, p.Ala612Val (NM_001282903.3); c.1817C>T, p.Ala606Val (NM_001330599.2); c.1856C>T (NM_014112.2); short protein forms A606V, A610V, A612V, A619V.
Identifiers: ClinVar variation 3750772 (VCV003750772.4).

ClinVar aggregate classification (germline): Conflicting classifications of pathogenicity. Review status: criteria provided, conflicting classifications (1 of 4 stars). 3 submissions from 3 submitters: Uncertain significance (1); Likely benign (2). Last evaluated 2025-09-02.

Conditions:
Inborn genetic diseases. Identifiers: MedGen C0950123, MeSH D030342.
Trichorhinophalangeal syndrome, type III (TRPS3). Also called: SUGIO-KAJII SYNDROME. Identifiers: Orphanet 77258, MedGen C1860823, OMIM 190351, MONDO:0008597.
Trichorhinophalangeal dysplasia type I (TRPS1). Also called: TRICHORHINOPHALANGEAL SYNDROME, TYPE I; TRPS I. Identifiers: Orphanet 77258, MedGen C0432233, MONDO:0008596, OMIM 190350.

gnomAD v4.1: 68 of 1,613,950 alleles (0.0042%); highest among the groups gnomAD compares: Admixed American, 0.0067%; no homozygotes.

Submissions (3):

Labcorp Genetics (formerly Invitae), Labcorp
Classification: Uncertain significance for Trichorhinophalangeal syndrome, type III; Trichorhinophalangeal dysplasia type I. Last evaluated: 2025-09-02. Review status: criteria provided, single submitter. Criteria: Invitae Variant Classification Sherloc (09022015). Collection method: clinical testing. Allele origin: germline.
Comment: This sequence change replaces alanine, which is neutral and non-polar, with valine, which is neutral and non-polar, at codon 619 of the TRPS1 protein (p.Ala619Val). This variant is present in population databases (rs750803049, gnomAD 0.006%). This variant has not been reported in the literature in individuals affected with TRPS1-related conditions. ClinVar contains an entry for this variant (Variation ID: 3750772). Invitae Evidence Modeling of protein sequence and biophysical properties (such as structural, functional, and spatial information, amino acid conservation, physicochemical variation, residue mobility, and thermodynamic stability) indicates that this missense variant is not expected to disrupt TRPS1 protein function with a negative predictive value of 80%. In summary, the available evidence is currently insufficient to determine the role of this variant in disease. Therefore, it has been classified as a Variant of Uncertain Significance.

Ambry Genetics
Classification: Likely benign for Inborn genetic diseases. Last evaluated: 2025-02-28. Review status: criteria provided, single submitter. Criteria: Ambry Variant Classification Scheme 2023. Collection method: clinical testing. Allele origin: germline.

Blueprint Genetics
Classification: Likely benign. Last evaluated: 2024-04-12. Review status: criteria provided, single submitter. Criteria: ACMG Guidelines, 2015. Collection method: clinical testing. Allele origin: germline.